The following is an entry in ClinVar:

ClinVar aggregate classification (germline): Conflicting classifications of pathogenicity. Review status: criteria provided, conflicting classifications (1 of 4 stars). 2 submissions from 2 submitters: Pathogenic (1); Uncertain significance (1). Last evaluated 2024-09-30.

Submissions (2):

Labcorp Genetics (formerly Invitae), Labcorp
Classification: Uncertain significance. Last evaluated: 2024-09-30. Review status: criteria provided, single submitter. Criteria: Invitae Variant Classification Sherloc (09022015). Collection method: clinical testing. Allele origin: germline.
Comment: This sequence change replaces cysteine, which is neutral and slightly polar, with tyrosine, which is neutral and polar, at codon 435 of the NOTCH3 protein (p.Cys435Tyr). This variant is not present in population databases (gnomAD no frequency). This missense change has been observed in individual(s) with clinical features of CADASIL (PMID: 30956055). ClinVar contains an entry for this variant (Variation ID: 1807352). Invitae Evidence Modeling of protein sequence and biophysical properties (such as structural, functional, and spatial information, amino acid conservation, physicochemical variation, residue mobility, and thermodynamic stability) indicates that this missense variant is expected to disrupt NOTCH3 protein function with a positive predictive value of 95%. In summary, the available evidence is currently insufficient to determine the role of this variant in disease. Therefore, it has been classified as a Variant of Uncertain Significance.

Athena Diagnostics
Classification: Pathogenic. Last evaluated: 2021-12-21. Review status: criteria provided, single submitter. Criteria: Athena Diagnostics Criteria. Collection method: clinical testing. Allele origin: unknown.
Comment: This variant has not been reported in large, multi-ethnic general populations. This variant has been identified in at least one individual with clinical features associated with this gene. At least one other missense variant at this codon is considered to be pathogenic or likely pathogenic, suggesting this variant may also cause disease. This variant alters a critical location within the protein, and is expected to severely affect function and cause disease. Greater than 90% of pathogenic variants identified in NOTCH3 involve the gain or loss of a cysteine residue within the epidermal growth factor (EGF)-like repeat domain.

Literature cited by the submitters: PubMed 30956055 (cited by Labcorp Genetics (formerly Invitae), Labcorp and Athena Diagnostics); PubMed 32765252 (cited by Athena Diagnostics).

NM_000435.3(NOTCH3):c.1304G>A (p.Cys435Tyr)

Gene: NOTCH3 (notch receptor 3; minus strand). Cytogenetic location: 19p13.12.
Variant type: single nucleotide variant.
Coding change: c.1304G>A on transcript NM_000435.3 (MANE Select); coding-DNA position 1304, G replaced by A.
Protein change: p.Cys435Tyr; replaces cysteine 435 with tyrosine.
Molecular consequence: missense variant.
Genome position (GRCh38, 1-based): chr19:15,189,063, C>T on the plus strand (G>A on the coding strand, the complement: NOTCH3 is on the minus strand). VCF-style: chr19-15189063-C-T. GRCh37 (hg19) VCF-style: chr19-15299874-C-T.
Other names: short protein forms C435Y.
Identifiers: ClinVar variation 1807352 (VCV001807352.4), dbSNP rs2145436195, ClinGen allele CA404527945.